The following is an entry in ClinVar:

ClinVar aggregate classification (germline): Uncertain significance. Review status: criteria provided, multiple submitters, no conflicts (2 of 4 stars). 5 submissions from 5 submitters: Uncertain significance (5). Last evaluated 2024-12-02.

Conditions:
Inborn genetic diseases. Identifiers: MedGen C0950123, MeSH D030342.
Developmental and epileptic encephalopathy, 18 (DEE18). Also called: Early infantile epileptic encephalopathy 18. Identifiers: Orphanet 369894, MedGen C3809624, MONDO:0014201, OMIM 615476.

Allele frequency attached by ClinVar (database versions not stated): gnomAD 0.00004; TOPMed 0.00014; ExAC 0.00016; gnomAD exomes 0.00016.
gnomAD v4.1: 60 of 1,613,482 alleles (0.0037%); highest among the groups gnomAD compares: Admixed American, 0.08%; no homozygotes.

Submissions (5):

Ambry Genetics
Classification: Uncertain significance for Inborn genetic diseases. Last evaluated: 2024-12-02. Review status: criteria provided, single submitter. Criteria: Ambry Variant Classification Scheme 2023. Collection method: clinical testing. Allele origin: germline.

Baylor Genetics
Classification: Uncertain significance for Developmental and epileptic encephalopathy, 18. Last evaluated: 2023-08-23. Review status: criteria provided, single submitter. Criteria: ACMG Guidelines, 2015. Collection method: clinical testing. Allele origin: unknown.

Genome-Nilou Lab
Classification: Uncertain significance for Developmental and epileptic encephalopathy, 18. Last evaluated: 2023-04-11. Review status: criteria provided, single submitter. Criteria: ACMG Guidelines, 2015. Collection method: clinical testing. Allele origin: germline. Affected: no.

Labcorp Genetics (formerly Invitae), Labcorp
Classification: Uncertain significance. Last evaluated: 2022-09-19. Review status: criteria provided, single submitter. Criteria: Invitae Variant Classification Sherloc (09022015). Collection method: clinical testing. Allele origin: germline.
Comment: This sequence change replaces arginine, which is basic and polar, with cysteine, which is neutral and slightly polar, at codon 1249 of the SZT2 protein (p.Arg1249Cys). This variant is present in population databases (rs760099699, gnomAD 0.1%). This variant has not been reported in the literature in individuals affected with SZT2-related conditions. ClinVar contains an entry for this variant (Variation ID: 588757). Advanced modeling of protein sequence and biophysical properties (such as structural, functional, and spatial information, amino acid conservation, physicochemical variation, residue mobility, and thermodynamic stability) performed at Invitae indicates that this missense variant is expected to disrupt SZT2 protein function. In summary, the available evidence is currently insufficient to determine the role of this variant in disease. Therefore, it has been classified as a Variant of Uncertain Significance.

Breakthrough Genomics
Classification: Uncertain significance. Review status: criteria provided, single submitter. Criteria: ACMG Guidelines, 2015. Collection method: not provided. Allele origin: germline. Inheritance: Autosomal recessive inheritance. Affected: yes.

NM_001365999.1(SZT2):c.3916C>T (p.Arg1306Cys)

Gene: SZT2 (SZT2 subunit of KICSTOR complex; plus strand). Cytogenetic location: 1p34.2.
Variant type: single nucleotide variant.
Coding change: c.3916C>T on transcript NM_001365999.1 (MANE Select); coding-DNA position 3916, C replaced by T.
Protein change: p.Arg1306Cys; replaces arginine 1306 with cysteine.
Molecular consequence: missense variant.
Genome position (GRCh38, 1-based): chr1:43,428,115, C>T. VCF-style: chr1-43428115-C-T. GRCh37 (hg19) VCF-style: chr1-43893786-C-T.
Other names: c.3745C>T, p.Arg1249Cys (NM_015284.4); short protein forms R1249C, R1306C.
Identifiers: ClinVar variation 588757 (VCV000588757.15), dbSNP rs760099699, ClinGen allele CA809136.